The following is an entry in ClinVar:

ClinVar aggregate classification (germline): Benign/Likely benign. Review status: criteria provided, multiple submitters, no conflicts (2 of 4 stars). 12 submissions from 12 submitters: Benign (8); Likely benign (3). 1 of the submissions does not count toward it. Last evaluated 2026-02-01.

Conditions:
Nemaline myopathy 5 (NEM5A). Also called: NEMALINE MYOPATHY, AMISH TYPE; NEMALINE MYOPATHY 5A, AUTOSOMAL RECESSIVE, SEVERE INFANTILE; Nemaline myopathy 5, Amish type. Identifiers: Orphanet 98902, MedGen C1854380, MONDO:0011539, OMIM 605355.

Allele frequency attached by ClinVar (database versions not stated): ExAC 0.08147; TOPMed 0.06016; gnomAD exomes 0.06919 and 0.09099; ESP Exome Variant Server 0.07051; 1000 Genomes Project 30x 0.03545; 1000 Genomes Project 0.03594; gnomAD 0.06801 and 0.06673.

Submissions (12):

Labcorp Genetics (formerly Invitae), Labcorp
Classification: Benign for Nemaline myopathy 5. Last evaluated: 2026-02-01. Review status: criteria provided, single submitter. Criteria: Invitae Variant Classification Sherloc (09022015). Collection method: clinical testing. Allele origin: germline.

Blueprint Genetics
Classification: Likely benign. Last evaluated: 2024-11-28. Review status: criteria provided, single submitter. Criteria: ACMG Guidelines, 2015. Collection method: clinical testing. Allele origin: germline.

Genome-Nilou Lab
Classification: Benign for Nemaline myopathy 5. Last evaluated: 2021-09-10. Review status: criteria provided, single submitter. Criteria: ACMG Guidelines, 2015. Collection method: clinical testing. Allele origin: germline. Affected: no.

Illumina Laboratory Services, Illumina
Classification: Likely benign for Nemaline myopathy 5. Last evaluated: 2018-01-12. Review status: criteria provided, single submitter. Criteria: ICSL Variant Classification Criteria 13 December 2019. Collection method: clinical testing. Allele origin: germline.
Comment: This variant was observed in the ICSL laboratory as part of a predisposition screen in an ostensibly healthy population. It had not been previously curated by ICSL or reported in the Human Gene Mutation Database (HGMD: prior to June 1st, 2018), and was therefore a candidate for classification through an automated scoring system. Utilizing variant allele frequency, disease prevalence and penetrance estimates, and inheritance mode, an automated score was calculated to assess if this variant is too frequent to cause the disease. Based on the score and internal cut-off values, a variant classified as likely benign is not then subjected to further curation. The score for this variant resulted in a classification of likely benign for this disease.

Mayo Clinic Laboratories, Mayo Clinic
Classification: Benign. Last evaluated: 2017-08-24. Review status: criteria provided, single submitter. Criteria: ACMG Guidelines, 2015. Collection method: clinical testing. Allele origin: germline. Observed: 83 variant alleles.

GeneDx
Classification: Benign. Last evaluated: 2016-02-10. Review status: criteria provided, single submitter. Criteria: GeneDx Variant Classification (06012015). Collection method: clinical testing. Allele origin: germline. Affected: yes.
Comment: This variant is considered likely benign or benign based on one or more of the following criteria: it is a conservative change, it occurs at a poorly conserved position in the protein, it is predicted to be benign by multiple in silico algorithms, and/or has population frequency not consistent with disease.

Laboratory for Molecular Medicine, Mass General Brigham Personalized Medicine
Classification: Benign. Last evaluated: 2014-11-26. Review status: criteria provided, single submitter. Criteria: LMM Criteria. Collection method: clinical testing. Allele origin: germline. Observed: 1 variant allele.
Comment: p.Glu12Gly in exon 3 of TNNT1: This variant is not expected to have clinical sig nificance because it has been identified in 9.8% (840/8600) of European American chromosomes by the NHLBI Exome Sequencing Project (/EVS/; dbSNP rs112562759).

Genetic Services Laboratory, University of Chicago
Classification: Benign for AllHighlyPenetrant. Last evaluated: 2013-08-15. Review status: criteria provided, single submitter. Criteria: ACMG Guidelines, 2007. Collection method: clinical testing. Allele origin: germline. Inheritance: Autosomal recessive inheritance.

Eurofins Ntd Llc (ga)
Classification: Benign. Last evaluated: 2012-09-14. Review status: criteria provided, single submitter. Criteria: EGL Classification Definitions 2015. Collection method: clinical testing. Allele origin: germline. Observed: 1 variant allele, 1 heterozygote.

Breakthrough Genomics
Classification: Likely benign. Review status: criteria provided, single submitter. Criteria: ACMG Guidelines, 2015. Collection method: not provided. Allele origin: germline. Inheritance: Autosomal recessive inheritance. Affected: yes.

PreventionGenetics, part of Exact Sciences
Classification: Benign. Review status: criteria provided, single submitter. Criteria: ACMG Guidelines, 2015. Collection method: clinical testing. Allele origin: germline.

Leiden Muscular Dystrophy (TNNT1)
No classification provided. Last evaluated: 2012-03-18. Review status: no classification provided. Collection method: curation. Allele origin: germline. Not counted in ClinVar's aggregate classification.

NM_003283.6(TNNT1):c.35A>G (p.Glu12Gly)

Gene: TNNT1 (troponin T1, slow skeletal type; minus strand). Cytogenetic location: 19q13.42.
Variant type: single nucleotide variant.
Coding change: c.35A>G on transcript NM_003283.6 (MANE Select); coding-DNA position 35, A replaced by G.
Protein change: p.Glu12Gly; replaces glutamic acid 12 with glycine.
Molecular consequence: missense variant.
Genome position (GRCh38, 1-based): chr19:55,147,019, T>C on the plus strand (A>G on the coding strand, the complement: TNNT1 is on the minus strand). VCF-style: chr19-55147019-T-C. GRCh37 (hg19) VCF-style: chr19-55658387-T-C.
Other names: c.35A>G, p.Glu12Gly (NM_001126132.3, NM_001126133.3, NM_001291774.2); short protein forms E12G.
Identifiers: ClinVar variation 31865 (VCV000031865.32), dbSNP rs112562759, ClinGen allele CA147637.